The following is an entry in ClinVar:

ClinVar aggregate classification (germline): Uncertain significance (1 of 4 stars; one submission).

Submission:

Labcorp Genetics (formerly Invitae), Labcorp
Classification: Uncertain significance. Last evaluated: 2024-12-12. Review status: criteria provided, single submitter. Criteria: Invitae Variant Classification Sherloc (09022015). Collection method: clinical testing. Allele origin: germline.
Comment: This variant, c.3528_3529insGGCAGCAGCAGC, results in the insertion of 4 amino acid(s) of the PCDH12 protein (p.Gly1176_Ser1177insGlySerSerSer), but otherwise preserves the integrity of the reading frame. This variant is present in population databases (rs760844126, gnomAD 0.01%). This variant has not been reported in the literature in individuals affected with PCDH12-related conditions. In summary, the available evidence is currently insufficient to determine the role of this variant in disease. Therefore, it has been classified as a Variant of Uncertain Significance.

NM_016580.4(PCDH12):c.3528_3529insGGCAGCAGCAGC (p.Gly1176_Ser1177insGlySerSerSer)

Gene: PCDH12 (protocadherin 12; minus strand). Cytogenetic location: 5q31.3.
Variant type: Microsatellite.
Coding change: c.3528_3529insGGCAGCAGCAGC on transcript NM_016580.4 (MANE Select); coding-DNA positions 3528 to 3529, GGCAGCAGCAGC inserted.
Protein change: p.Gly1176_Ser1177insGlySerSerSer.
Molecular consequence: inframe insertion.
Genome position: GRCh38 VCF-style: chr5-141945407-T-TGCTGCTGCTGCC. GRCh37 (hg19) VCF-style: chr5-141324972-T-TGCTGCTGCTGCC.
Identifiers: ClinVar variation 3608399 (VCV003608399.2).